The following is an entry in ClinVar:

NM_000540.3(RYR1):c.7835+1G>A

Gene: RYR1 (ryanodine receptor 1; plus strand). Cytogenetic location: 19q13.2.
Variant type: single nucleotide variant.
Coding change: c.7835+1G>A on transcript NM_000540.3 (MANE Select); the canonical splice donor site of the intron after coding-DNA position 7835, G replaced by A.
Molecular consequence: splice donor variant.
Genome position (GRCh38, 1-based): chr19:38,502,728, G>A. VCF-style: chr19-38502728-G-A. GRCh37 (hg19) VCF-style: chr19-38993368-G-A.
Other names: c.7835+1G>A (NM_001042723.2).
Identifiers: ClinVar variation 393262 (VCV000393262.9), dbSNP rs1057524858, ClinGen allele CA16607795.
Genomic context (GRCh38, chr19:38,502,728, plus strand): 5'-TCGTTCGCTCACCAAGGCGCAGCGTGACGTCATCGAGGACTGCCTCATGTCGCTCTGCAG[G>A]TGGAGCGGGGCAGGCTTCAGGGTGGGGCAGGGGCAGGGGCAGGGGCAGGGGCAGGGGCAG-3'

ClinVar aggregate classification (germline): Likely pathogenic. Review status: criteria provided, multiple submitters, no conflicts (2 of 4 stars). 3 submissions from 3 submitters: Likely pathogenic (3). Last evaluated 2021-12-07.

Conditions:
RYR1-related disorder. Also called: RYR1-related disorders; RYR1-related condition. Identifiers: MedGen CN239331.
Central core myopathy (CMYO1A). Also called: CONGENITAL MYOPATHY 1A, AUTOSOMAL DOMINANT, WITH SUSCEPTIBILITY TO MALIGNANT HYPERTHERMIA; Central core disease; Myopathy, central fibrillar. Identifiers: Orphanet 597, MedGen C5830701, MONDO:0007294, OMIM 117000.
Congenital multicore myopathy with external ophthalmoplegia (CMYO1B). Also called: Minicore myopathy with external ophthalmoplegia; MULTIMINICORE DISEASE WITH EXTERNAL OPHTHALMOPLEGIA; MULTICORE MYOPATHY; Congenital myopathy 1B, autosomal recessive; Minicore myopathy. Identifiers: Orphanet 598, Orphanet 98905, MedGen C1850674, MONDO:0009712, OMIM 255320, HP:0003789.
King Denborough syndrome (KDS). Identifiers: MedGen C1840365, MONDO:0020485, OMIM 619542.
Malignant hyperthermia, susceptibility to, 1 (MHS1). Also called: RYR1-Related Malignant Hyperthermia Susceptibility; Malignant hyperthermia suceptibility 1; Anesthesia related hyperthermia; Malignant hyperpyrexia; Fulminating hyperpyrexia; Pharmacogenic myopathy. Identifiers: Orphanet 423, MedGen C2930980, MONDO:0007783, OMIM 145600.
Congenital myopathy with fiber type disproportion. Also called: Congenital fiber-type disproportion myopathy; Congenital fiber-type disproportion. Identifiers: Orphanet 2020, MedGen C0546264, MONDO:0009711. Inheritance: all.

Allele frequency attached by ClinVar (database versions not stated): TOPMed 0.00001.
gnomAD v4.1: 7 of 1,559,860 alleles (0.00045%); highest among the groups gnomAD compares: Non-Finnish European, 0.00061%; no homozygotes.

Submissions (3):

Fulgent Genetics
Classification: Likely pathogenic for Central core myopathy; Malignant hyperthermia, susceptibility to, 1; Congenital myopathy 4A, autosomal dominant; Congenital multicore myopathy with external ophthalmoplegia; King Denborough syndrome. Last evaluated: 2021-12-07. Review status: criteria provided, single submitter. Criteria: ACMG Guidelines, 2015. Collection method: clinical testing. Allele origin: unknown.

Labcorp Genetics (formerly Invitae), Labcorp
Classification: Likely pathogenic for RYR1-related disorder. Last evaluated: 2021-08-18. Review status: criteria provided, single submitter. Criteria: Invitae Variant Classification Sherloc (09022015). Collection method: clinical testing. Allele origin: germline.
Comment: This sequence change affects a donor splice site in intron 48 of the RYR1 gene. It is expected to disrupt RNA splicing. Variants that disrupt the donor or acceptor splice site typically lead to a loss of protein function (PMID: 16199547), and loss-of-function variants in RYR1 are known to be pathogenic (PMID: 20583297, 20839240, 23919265, 28818389). This variant is not present in population databases (ExAC no frequency). Disruption of this splice site has been observed in individual(s) with RYR1-related conditions (Invitae). ClinVar contains an entry for this variant (Variation ID: 393262). Algorithms developed to predict the effect of sequence changes on RNA splicing suggest that this variant may disrupt the consensus splice site. In summary, the currently available evidence indicates that the variant is pathogenic, but additional data are needed to prove that conclusively. Therefore, this variant has been classified as Likely Pathogenic.

GeneDx
Classification: Likely pathogenic. Last evaluated: 2017-02-01. Review status: criteria provided, single submitter. Criteria: GeneDx Variant Classification (06012015). Collection method: clinical testing. Allele origin: germline. Affected: yes.
Comment: The c.7835+1G>A variant in the RYR1 gene has not been reported previously as a pathogenic variant nor as a benign variant, to our knowledge. This splice site variant destroys the canonical splice donor site in intron 48. It is predicted to cause abnormal gene splicing, either leading to an abnormal message that is subject to nonsense-mediated mRNA decay, or to an abnormal protein product if the message is used for protein translation. The c.7835+1G>A variant was not observed in approximately 6,500 individuals of European and African American ancestry in the NHLBI Exome Sequencing Project, indicating it is not a common benign variant in these populations. We interpret c.7835+1G>A as a likely pathogenic variant.

Literature cited by the submitters: PubMed 16199547 (cited by Labcorp Genetics (formerly Invitae), Labcorp); PubMed 20583297 (cited by Labcorp Genetics (formerly Invitae), Labcorp); PubMed 20839240 (cited by Labcorp Genetics (formerly Invitae), Labcorp); PubMed 23919265 (cited by Labcorp Genetics (formerly Invitae), Labcorp); PubMed 28818389 (cited by Labcorp Genetics (formerly Invitae), Labcorp).